The following is an entry in ClinVar:

NM_001042475.3(CEP85L):c.1267G>A (p.Glu423Lys)

Gene: CEP85L (centrosomal protein 85L; minus strand). Cytogenetic location: 6q22.31.
Variant type: single nucleotide variant.
Coding change: c.1267G>A on transcript NM_001042475.3 (MANE Select); coding-DNA position 1267, G replaced by A.
Protein change: p.Glu423Lys; replaces glutamic acid 423 with lysine.
Molecular consequence: missense variant.
Genome position (GRCh38, 1-based): chr6:118,491,856, C>T on the plus strand (G>A on the coding strand, the complement: CEP85L is on the minus strand). VCF-style: chr6-118491856-C-T. GRCh37 (hg19) VCF-style: chr6-118813019-C-T.
Other names: c.1276G>A, p.Glu426Lys (NM_001178035.2); c.1267G>A, p.Glu423Lys (NM_206921.3); short protein forms E423K, E426K.
Identifiers: ClinVar variation 4077303 (VCV004077303.1).

ClinVar aggregate classification (germline): Uncertain significance (1 of 4 stars; one submission).

gnomAD v4.1: 2 of 1,587,702 alleles (0.00013%); highest among the groups gnomAD compares: Non-Finnish European, 0.00017%; no homozygotes.

Submission:

GeneDx
Classification: Uncertain significance. Last evaluated: 2025-02-28. Review status: criteria provided, single submitter. Criteria: GeneDx Variant Classification Process June 2021. Collection method: clinical testing. Allele origin: germline. Affected: yes.
Comment: Not observed at significant frequency in large population cohorts (gnomAD); In silico analysis supports that this missense variant has a deleterious effect on protein structure/function; Has not been previously published as pathogenic or benign to our knowledge